The following is an entry in ClinVar:

NM_004333.6(BRAF):c.1252A>G (p.Lys418Glu)

Gene: BRAF (B-Raf proto-oncogene, serine/threonine kinase; minus strand). Cytogenetic location: 7q34.
Variant type: single nucleotide variant.
Coding change: c.1252A>G on transcript NM_004333.6 (MANE Select); coding-DNA position 1252, A replaced by G.
Protein change: p.Lys418Glu; replaces lysine 418 with glutamic acid.
Molecular consequence: missense variant.
Genome position (GRCh38, 1-based): chr7:140,783,083, T>C on the plus strand (A>G on the coding strand, the complement: BRAF is on the minus strand). VCF-style: chr7-140783083-T-C. GRCh37 (hg19) VCF-style: chr7-140482883-T-C.
Other names: c.1252A>G, p.Lys418Glu (NM_001354609.2, NM_001378468.1, NM_001378474.1); c.1372A>G, p.Lys458Glu (NM_001374244.1, NM_001374258.1); c.1261A>G, p.Lys421Glu (NM_001378467.1); c.1186A>G, p.Lys396Glu (NM_001378469.1); c.1150A>G, p.Lys384Glu (NM_001378470.1); c.1141A>G, p.Lys381Glu (NM_001378471.1); c.1096A>G, p.Lys366Glu (NM_001378472.1, NM_001378473.1); c.988A>G, p.Lys330Glu (NM_001378475.1); short protein forms K381E, K421E, K330E, K384E, K458E, K418E, K366E, K396E.
Identifiers: ClinVar variation 4744455 (VCV004744455.1).

ClinVar aggregate classification (germline): Uncertain significance (1 of 4 stars; one submission).

Conditions:
RASopathy. Also called: rasopathies; Noonan spectrum disorder. Identifiers: Orphanet 536391, MedGen C5555857, MONDO:0021060.

Submission:

Labcorp Genetics (formerly Invitae), Labcorp
Classification: Uncertain significance for RASopathy. Last evaluated: 2025-07-21. Review status: criteria provided, single submitter. Criteria: Invitae Variant Classification Sherloc (09022015). Collection method: clinical testing. Allele origin: germline.
Comment: This sequence change replaces lysine, which is basic and polar, with glutamic acid, which is acidic and polar, at codon 418 of the BRAF protein (p.Lys418Glu). This variant is not present in population databases (gnomAD no frequency). This variant has not been reported in the literature in individuals affected with BRAF-related conditions. Invitae Evidence Modeling of protein sequence and biophysical properties (such as structural, functional, and spatial information, amino acid conservation, physicochemical variation, residue mobility, and thermodynamic stability) indicates that this missense variant is not expected to disrupt BRAF protein function with a negative predictive value of 80%. In summary, the available evidence is currently insufficient to determine the role of this variant in disease. Therefore, it has been classified as a Variant of Uncertain Significance.